The following is an entry in ClinVar:

NM_000136.3(FANCC):c.1474C>G (p.Leu492Val)

Genes: FANCC (FA complementation group C; minus strand), AOPEP (aminopeptidase O (putative); plus strand). Cytogenetic location: 9q22.32.
Variant type: single nucleotide variant.
Coding change: c.1474C>G on transcript NM_000136.3 (MANE Select); coding-DNA position 1474, C replaced by G.
Protein change: p.Leu492Val; replaces leucine 492 with valine.
Molecular consequence: missense variant.
Genome position (GRCh38, 1-based): chr9:95,107,125, G>C on the plus strand (C>G on the coding strand, the complement: FANCC is on the minus strand). VCF-style: chr9-95107125-G-C. GRCh37 (hg19) VCF-style: chr9-97869407-G-C.
Other names: c.1474C>G, p.Leu492Val (NM_001243743.2); short protein forms L492V.
Identifiers: ClinVar variation 1773436 (VCV001773436.2), dbSNP rs2134455048, ClinGen allele CA374105724.

ClinVar aggregate classification (germline): Uncertain significance (1 of 4 stars; one submission).

Conditions:
Hereditary cancer-predisposing syndrome. Also called: Hereditary Cancer Syndrome; Hereditary neoplastic syndrome; Neoplastic Syndromes, Hereditary; Tumor predisposition. Identifiers: Orphanet 140162, MedGen C0027672, MeSH D009386, MONDO:0015356.

Submission:

Ambry Genetics
Classification: Uncertain significance for Hereditary cancer-predisposing syndrome. Last evaluated: 2022-08-09. Review status: criteria provided, single submitter. Criteria: Ambry Variant Classification Scheme 2023. Collection method: clinical testing. Allele origin: germline.
Comment: The p.L492V variant (also known as c.1474C>G), located in coding exon 13 of the FANCC gene, results from a C to G substitution at nucleotide position 1474. The leucine at codon 492 is replaced by valine, an amino acid with highly similar properties. This amino acid position is conserved. In addition, this alteration is predicted to be tolerated by in silico analysis. Since supporting evidence is limited at this time, the clinical significance of this alteration remains unclear.